The following is an entry in ClinVar:

NM_153485.3(NUP155):c.1491G>A (p.Pro497=)

Gene: NUP155 (nucleoporin 155; minus strand). Cytogenetic location: 5p13.2.
Variant type: single nucleotide variant.
Coding change: c.1491G>A on transcript NM_153485.3 (MANE Select); coding-DNA position 1491, G replaced by A.
Protein change: p.Pro497=; no amino-acid change (proline 497 retained).
Molecular consequence: synonymous variant.
Genome position (GRCh38, 1-based): chr5:37,333,490, C>T on the plus strand (G>A on the coding strand, the complement: NUP155 is on the minus strand). VCF-style: chr5-37333490-C-T. GRCh37 (hg19) VCF-style: chr5-37333592-C-T.
Other names: c.1491G>A, p.Pro497= (NM_001278312.2); c.1314G>A, p.Pro438= (NM_004298.4); c.1491G>A (NM_153485.2).
Identifiers: ClinVar variation 4821198 (VCV004821198.6).
Genomic context (GRCh38, chr5:37,333,490, plus strand): 5'-TTTTGTCACTACCATAACAGAATACGTACACACCTGTGCTGAGAGGAGAACAAATTTCTT[C>T]GGAGGTAACATGTGCTGCTGTACAACAACTGGTGAATCAGTTATTGGAATATGATCCTTG-3'
Protein context (NP_705618.1, residues 487-507): PVVVQQHMLP[Pro497=]KKFVLLSAQG

ClinVar aggregate classification (germline): Likely benign. Review status: criteria provided, multiple submitters, no conflicts (2 of 4 stars). 3 submissions from 3 submitters: Likely benign (3). Last evaluated 2026-02-01.

Conditions:
NUP155-related disorder. Also called: NUP155-related condition.

gnomAD v4.1: 1,129 of 1,614,080 alleles (0.07%); highest among the groups gnomAD compares: Non-Finnish European, 0.077%; 2 homozygotes.

Submissions (3):

CeGaT Center for Human Genetics Tuebingen
Classification: Likely benign. Last evaluated: 2026-02-01. Review status: criteria provided, single submitter. Criteria: CeGaT Center For Human Genetics Tuebingen Variant Classification Criteria Version 2. Collection method: clinical testing. Allele origin: germline. Affected: yes. Observed: 1 variant allele.
Comment: NUP155: BP4, BP7

PreventionGenetics, part of Exact Sciences
Classification: Likely benign for NUP155-related condition. Last evaluated: 2025-01-23. Review status: criteria provided, single submitter. Criteria: ACMG Guidelines, 2015. Collection method: clinical testing. Allele origin: germline.
Comment: This variant is classified as likely benign based on ACMG/AMP sequence variant interpretation guidelines (Richards et al. 2015 PMID: 25741868, with internal and published modifications).

Blueprint Genetics
Classification: Likely benign. Last evaluated: 2024-11-26. Review status: criteria provided, single submitter. Criteria: ACMG Guidelines, 2015. Collection method: clinical testing. Allele origin: germline.